The following is an entry in ClinVar:

ClinVar aggregate classification (germline): Uncertain significance (1 of 4 stars; one submission).

Conditions:
Hereditary cancer-predisposing syndrome. Also called: Neoplastic Syndromes, Hereditary; Tumor predisposition; Hereditary Cancer Syndrome; Hereditary neoplastic syndrome. Identifiers: Orphanet 140162, MedGen C0027672, MeSH D009386, MONDO:0015356.

Submission:

Ambry Genetics
Classification: Uncertain significance for Hereditary cancer-predisposing syndrome. Last evaluated: 2026-05-20. Review status: criteria provided, single submitter. Criteria: Ambry Variant Classification Scheme 2023. Collection method: clinical testing. Allele origin: germline.
Comment: The p.K593N variant (also known as c.1779G>T), located in coding exon 15 of the EGFR gene, results from a G to T substitution at nucleotide position 1779. The lysine at codon 593 is replaced by asparagine, an amino acid with similar properties. This amino acid position is conserved. In addition, this alteration is predicted to be tolerated by in silico analysis. Based on the available evidence, the clinical significance of this variant remains unclear.

NM_005228.5(EGFR):c.1779G>T (p.Lys593Asn)

Gene: EGFR (epidermal growth factor receptor; plus strand). Cytogenetic location: 7p11.2.
Variant type: single nucleotide variant.
Coding change: c.1779G>T on transcript NM_005228.5 (MANE Select); coding-DNA position 1779, G replaced by T.
Protein change: p.Lys593Asn; replaces lysine 593 with asparagine.
Molecular consequence: missense variant.
Genome position (GRCh38, 1-based): chr7:55,165,336, G>T. VCF-style: chr7-55165336-G-T. GRCh37 (hg19) VCF-style: chr7-55233029-G-T.
Other names: c.1644G>T, p.Lys548Asn (NM_001346897.2, NM_001346899.2); c.1779G>T, p.Lys593Asn (NM_001346898.2, NM_201282.2, NM_201284.2); c.1620G>T, p.Lys540Asn (NM_001346900.2); c.978G>T, p.Lys326Asn (NM_001346941.2); short protein forms K326N, K540N, K548N, K593N.
Identifiers: ClinVar variation 4870279 (VCV004870279.1).